The following is an entry in ClinVar:

ClinVar aggregate classification (germline): Uncertain significance (1 of 4 stars; one submission).

Conditions:
Nephronophthisis. Also called: Juvenile Nephronophthisis. Identifiers: Orphanet 655, MedGen C0687120, MONDO:0019005, HP:0000090.

gnomAD v4.1: 11 of 1,610,508 alleles (0.00068%); highest among the groups gnomAD compares: African/African-American, 0.0013%; no homozygotes.

Submission:

Labcorp Genetics (formerly Invitae), Labcorp
Classification: Uncertain significance for Nephronophthisis. Last evaluated: 2023-11-24. Review status: criteria provided, single submitter. Criteria: Invitae Variant Classification Sherloc (09022015). Collection method: clinical testing. Allele origin: germline.
Comment: This sequence change replaces aspartic acid, which is acidic and polar, with alanine, which is neutral and non-polar, at codon 709 of the NPHP4 protein (p.Asp709Ala). This variant is present in population databases (no rsID available, gnomAD 0.01%). This variant has not been reported in the literature in individuals affected with NPHP4-related conditions. ClinVar contains an entry for this variant (Variation ID: 1408603). Advanced modeling of protein sequence and biophysical properties (such as structural, functional, and spatial information, amino acid conservation, physicochemical variation, residue mobility, and thermodynamic stability) performed at Invitae indicates that this missense variant is expected to disrupt NPHP4 protein function with a positive predictive value of 80%. In summary, the available evidence is currently insufficient to determine the role of this variant in disease. Therefore, it has been classified as a Variant of Uncertain Significance.

NM_015102.5(NPHP4):c.2126A>C (p.Asp709Ala)

Gene: NPHP4 (nephrocystin 4; minus strand). Cytogenetic location: 1p36.31.
Variant type: single nucleotide variant.
Coding change: c.2126A>C on transcript NM_015102.5 (MANE Select); coding-DNA position 2126, A replaced by C.
Protein change: p.Asp709Ala; replaces aspartic acid 709 with alanine.
Molecular consequence: missense variant. On other transcripts: non-coding transcript variant (1).
Genome position (GRCh38, 1-based): chr1:5,904,634, T>G on the plus strand (A>C on the coding strand, the complement: NPHP4 is on the minus strand). VCF-style: chr1-5904634-T-G. GRCh37 (hg19) VCF-style: chr1-5964694-T-G.
Other names: c.587A>C, p.Asp196Ala (NM_001291593.2); c.590A>C, p.Asp197Ala (NM_001291594.2); short protein forms D197A, D709A, D196A.
Identifiers: ClinVar variation 1408603 (VCV001408603.8), dbSNP rs926092150, ClinGen allele CA17124249.